The following is an entry in ClinVar:

NM_014633.5(CTR9):c.2226+4A>T

Gene: CTR9 (CTR9 component of Paf1/RNA polymerase II complex; plus strand). Cytogenetic location: 11p15.4.
Variant type: single nucleotide variant.
Coding change: c.2226+4A>T on transcript NM_014633.5 (MANE Select); 4 bases into the intron after coding-DNA position 2226, A replaced by T.
Molecular consequence: intron variant.
Genome position (GRCh38, 1-based): chr11:10,770,330, A>T. VCF-style: chr11-10770330-A-T. GRCh37 (hg19) VCF-style: chr11-10791877-A-T.
Other names: c.2226+4A>T (NM_001346279.2).
Identifiers: ClinVar variation 1418180 (VCV001418180.6), dbSNP rs1047396415, ClinGen allele CA217709091.

ClinVar aggregate classification (germline): Uncertain significance (1 of 4 stars; one submission).

Allele frequency attached by ClinVar (database versions not stated): gnomAD exomes below 0.00001; TOPMed 0.00001.
gnomAD v4.1: 2 of 1,610,188 alleles (0.00012%); highest among the groups gnomAD compares: Admixed American, 0.0034%; no homozygotes.

Submission:

Labcorp Genetics (formerly Invitae), Labcorp
Classification: Uncertain significance. Last evaluated: 2025-10-24. Review status: criteria provided, single submitter. Criteria: Invitae Variant Classification Sherloc (09022015). Collection method: clinical testing. Allele origin: germline.
Comment: This sequence change falls in intron 17 of the CTR9 gene. It does not directly change the encoded amino acid sequence of the CTR9 protein. It affects a nucleotide within the consensus splice site. This variant is not present in population databases (gnomAD no frequency). This variant has not been reported in the literature in individuals affected with CTR9-related conditions. ClinVar contains an entry for this variant (Variation ID: 1418180). Variants that disrupt the consensus splice site are a relatively common cause of aberrant splicing (PMID: 17576681, 9536098). Algorithms developed to predict the effect of sequence changes on RNA splicing suggest that this variant is not likely to affect RNA splicing. In summary, the available evidence is currently insufficient to determine the role of this variant in disease. Therefore, it has been classified as a Variant of Uncertain Significance.

Literature cited by the submitters: PubMed 17576681; PubMed 9536098.